The following is an entry in ClinVar:

NM_014956.5(CEP164):c.2618A>T (p.Glu873Val)

Gene: CEP164 (centrosomal protein 164; plus strand). Cytogenetic location: 11q23.3.
Variant type: single nucleotide variant.
Coding change: c.2618A>T on transcript NM_014956.5 (MANE Select); coding-DNA position 2618, A replaced by T.
Protein change: p.Glu873Val; replaces glutamic acid 873 with valine.
Molecular consequence: missense variant.
Genome position (GRCh38, 1-based): chr11:117,394,351, A>T. VCF-style: chr11-117394351-A-T. GRCh37 (hg19) VCF-style: chr11-117265067-A-T.
Other names: c.2627A>T, p.Glu876Val (NM_001271933.2); short protein forms E876V, E873V.
Identifiers: ClinVar variation 961307 (VCV000961307.10), dbSNP rs2045131646, ClinGen allele CA382727780.

ClinVar aggregate classification (germline): Uncertain significance. Review status: criteria provided, multiple submitters, no conflicts (2 of 4 stars). 2 submissions from 2 submitters: Uncertain significance (2). Last evaluated 2024-05-16.

Conditions:
Nephronophthisis 15 (NPHP15). Identifiers: Orphanet 3156, MedGen C3541853, MONDO:0013917, OMIM 614845.

gnomAD v4.1: 1 of 1,596,242 alleles (0.000063%); no homozygotes.

Submissions (2):

Fulgent Genetics
Classification: Uncertain significance for Nephronophthisis 15. Last evaluated: 2024-05-16. Review status: criteria provided, single submitter. Criteria: ACMG Guidelines, 2015. Collection method: clinical testing. Allele origin: germline.

Labcorp Genetics (formerly Invitae), Labcorp
Classification: Uncertain significance for Nephronophthisis 15. Last evaluated: 2022-02-04. Review status: criteria provided, single submitter. Criteria: Invitae Variant Classification Sherloc (09022015). Collection method: clinical testing. Allele origin: germline.
Comment: This sequence change replaces glutamic acid, which is acidic and polar, with valine, which is neutral and non-polar, at codon 873 of the CEP164 protein (p.Glu873Val). This variant is not present in population databases (gnomAD no frequency). This variant has not been reported in the literature in individuals affected with CEP164-related conditions. ClinVar contains an entry for this variant (Variation ID: 961307). Algorithms developed to predict the effect of missense changes on protein structure and function (SIFT, PolyPhen-2, Align-GVGD) all suggest that this variant is likely to be disruptive. Algorithms developed to predict the effect of sequence changes on RNA splicing suggest that this variant may create or strengthen a splice site. In summary, the available evidence is currently insufficient to determine the role of this variant in disease. Therefore, it has been classified as a Variant of Uncertain Significance.